The following is an entry in ClinVar:

ClinVar aggregate classification (germline): Uncertain significance (1 of 4 stars; one submission).

Conditions:
Hereditary cancer-predisposing syndrome. Also called: Tumor predisposition; Neoplastic Syndromes, Hereditary; Hereditary neoplastic syndrome; Hereditary Cancer Syndrome. Identifiers: Orphanet 140162, MedGen C0027672, MeSH D009386, MONDO:0015356.

gnomAD v4.1: 1 of 1,612,696 alleles (0.000062%); highest among the groups gnomAD compares: Non-Finnish European, 0.000085%; no homozygotes.

Submission:

Ambry Genetics
Classification: Uncertain significance for Hereditary cancer-predisposing syndrome. Last evaluated: 2024-10-23. Review status: criteria provided, single submitter. Criteria: Ambry Variant Classification Scheme 2023. Collection method: clinical testing. Allele origin: germline.
Comment: The p.E287G variant (also known as c.860A>G), located in coding exon 4 of the BARD1 gene, results from an A to G substitution at nucleotide position 860. The glutamic acid at codon 287 is replaced by glycine, an amino acid with similar properties. This amino acid position is conserved. In addition, this alteration is predicted to be tolerated by in silico analysis. Based on the available evidence, the clinical significance of this variant remains unclear.

NM_000465.4(BARD1):c.860A>G (p.Glu287Gly)

Gene: BARD1 (BRCA1 associated RING domain 1; minus strand). Cytogenetic location: 2q35.
Variant type: single nucleotide variant.
Coding change: c.860A>G on transcript NM_000465.4 (MANE Select); coding-DNA position 860, A replaced by G.
Protein change: p.Glu287Gly; replaces glutamic acid 287 with glycine.
Molecular consequence: missense variant. On other transcripts: non-coding transcript variant (2), intron variant (3).
Genome position (GRCh38, 1-based): chr2:214,781,014, T>C on the plus strand (A>G on the coding strand, the complement: BARD1 is on the minus strand). VCF-style: chr2-214781014-T-C. GRCh37 (hg19) VCF-style: chr2-215645738-T-C.
Other names: c.803A>G, p.Glu268Gly (NM_001282543.2); c.158+28398A>G (NM_001282548.2); c.215+16047A>G (NM_001282545.2); c.364+11283A>G (NM_001282549.2); short protein forms E268G, E287G.
Identifiers: ClinVar variation 3479736 (VCV003479736.1).
Genomic context (GRCh38, chr2:214,781,014, plus strand): 5'-TAATTTTTGCAGACCTTCTCAGGAGTCACTACTTCATTCCTGCTCTTAGTGTCTGGAGAC[T>C]CTATTTGCTCAGCCAATGGTAAAGAGACTTCAGTTAAACTTCCAAAACATTCAGATTCTG-3'
Protein context (NP_000456.2, residues 277-297): EVSLPLAEQI[Glu287Gly]SPDTKSRNEV